The following is an entry in ClinVar:

NM_001611.5(ACP5):c.964C>T (p.Arg322Ter)

Gene: ACP5 (acid phosphatase 5, tartrate resistant; minus strand). Cytogenetic location: 19p13.2.
Variant type: single nucleotide variant.
Coding change: c.964C>T on transcript NM_001611.5 (MANE Select); coding-DNA position 964, C replaced by T.
Protein change: p.Arg322Ter; replaces arginine 322 with a stop codon.
Molecular consequence: nonsense.
Genome position (GRCh38, 1-based): chr19:11,575,024, G>A on the plus strand (C>T on the coding strand, the complement: ACP5 is on the minus strand). VCF-style: chr19-11575024-G-A. GRCh37 (hg19) VCF-style: chr19-11685839-G-A.
Other names: c.964C>T, p.Arg322Ter (NM_001111034.3, NM_001111035.3, NM_001111036.3 and 1 more transcripts); short protein forms R322*.
Identifiers: ClinVar variation 848294 (VCV000848294.9), dbSNP rs146436811, ClinGen allele CA9215283.
Genomic context (GRCh38, chr19:11,575,024, plus strand): 5'-ACCCAACAGTGGAGATCGGGCCTCAGAGCTGGGCAGTCATGGGAGTTCAGGGCCTGGCTC[G>A]CCTCGGCAGCCTGGTCTTAAAGAGGGACTTGCCCGAGGCCTCGATGTAAGTGACAGTCAT-3'

ClinVar aggregate classification (germline): Uncertain significance. Review status: criteria provided, multiple submitters, no conflicts (2 of 4 stars). 4 submissions from 4 submitters: Uncertain significance (4). Last evaluated 2025-03-10.

Conditions:
ACP5-related disorder. Also called: ACP5-related condition.
Spondyloenchondrodysplasia with immune dysregulation (SPENCDI). Also called: ROIFMAN IMMUNOSKELETAL SYNDROME; SPONDYLOENCHONDRODYSPLASIA WITH OR WITHOUT IMMUNE DYSREGULATION; COMBINED IMMUNODEFICIENCY WITH AUTOIMMUNITY AND SPONDYLOMETAPHYSEAL DYSPLASIA. Identifiers: Orphanet 1855, MedGen C1842763, MONDO:0011939, OMIM 607944.

Allele frequency attached by ClinVar (database versions not stated): TOPMed 0.00003; gnomAD 0.00004 and 0.00003; ESP Exome Variant Server 0.00023; ExAC 0.00002.

Submissions (4):

PreventionGenetics, part of Exact Sciences
Classification: Uncertain significance for ACP5-related condition. Last evaluated: 2025-03-10. Review status: criteria provided, single submitter. Criteria: ACMG Guidelines, 2015. Collection method: clinical testing. Allele origin: germline.
Comment: The ACP5 c.964C>T variant is predicted to result in premature protein termination (p.Arg322*). To our knowledge, this variant has not been reported in the literature. This variant is reported in 0.0062% of alleles in individuals of African descent in gnomAD. Although we suspect that this variant may be pathogenic, at this time, the clinical significance of this variant is uncertain due to the absence of conclusive functional and genetic evidence.

Labcorp Genetics (formerly Invitae), Labcorp
Classification: Uncertain significance for Spondyloenchondrodysplasia with immune dysregulation. Last evaluated: 2022-05-12. Review status: criteria provided, single submitter. Criteria: Invitae Variant Classification Sherloc (09022015). Collection method: clinical testing. Allele origin: germline.
Comment: This sequence change creates a premature translational stop signal (p.Arg322*) in the ACP5 gene. While this is not anticipated to result in nonsense mediated decay, it is expected to disrupt the last 4 amino acid(s) of the ACP5 protein. This variant is present in population databases (rs146436811, gnomAD 0.007%). This variant has not been reported in the literature in individuals affected with ACP5-related conditions. ClinVar contains an entry for this variant (Variation ID: 848294). Experimental studies and prediction algorithms are not available or were not evaluated, and the functional significance of this variant is currently unknown. In summary, the available evidence is currently insufficient to determine the role of this variant in disease. Therefore, it has been classified as a Variant of Uncertain Significance.

Fulgent Genetics
Classification: Uncertain significance for Spondyloenchondrodysplasia with immune dysregulation. Last evaluated: 2021-08-11. Review status: criteria provided, single submitter. Criteria: ACMG Guidelines, 2015. Collection method: clinical testing. Allele origin: unknown.

Blueprint Genetics
Classification: Uncertain significance. Last evaluated: 2021-03-09. Review status: criteria provided, single submitter. Criteria: ACMG Guidelines, 2015. Collection method: clinical testing. Allele origin: germline.